The following is an entry in ClinVar:

NM_014956.5(CEP164):c.4163+6C>T

Gene: CEP164 (centrosomal protein 164; plus strand). Cytogenetic location: 11q23.3.
Variant type: single nucleotide variant.
Coding change: c.4163+6C>T on transcript NM_014956.5 (MANE Select); 6 bases into the intron after coding-DNA position 4163, C replaced by T.
Molecular consequence: intron variant.
Genome position (GRCh38, 1-based): chr11:117,410,900, C>T. VCF-style: chr11-117410900-C-T. GRCh37 (hg19) VCF-style: chr11-117281616-C-T.
Other names: c.4148+6C>T (NM_001271933.2).
Identifiers: ClinVar variation 859037 (VCV000859037.7), dbSNP rs576293282, ClinGen allele CA6295725.

ClinVar aggregate classification (germline): Conflicting classifications of pathogenicity. Review status: criteria provided, conflicting classifications (1 of 4 stars). 2 submissions from 2 submitters: Uncertain significance (1); Likely benign (1). Last evaluated 2025-04-24.

Conditions:
Nephronophthisis 15 (NPHP15). Identifiers: Orphanet 3156, MedGen C3541853, MONDO:0013917, OMIM 614845.
CEP164-related disorder. Also called: CEP164-related condition.

Allele frequency attached by ClinVar (database versions not stated): gnomAD below 0.00001 and 0.00002; gnomAD exomes 0.00004; ExAC 0.00005; 1000 Genomes Project 30x 0.00016; 1000 Genomes Project 0.00020.
gnomAD v4.1: 39 of 1,612,158 alleles (0.0024%); highest among the groups gnomAD compares: South Asian, 0.04%; no homozygotes.

Submissions (2):

PreventionGenetics, part of Exact Sciences
Classification: Likely benign for CEP164-related condition. Last evaluated: 2025-04-24. Review status: criteria provided, single submitter. Criteria: ACMG Guidelines, 2015. Collection method: clinical testing. Allele origin: germline.
Comment: This variant is classified as likely benign based on ACMG/AMP sequence variant interpretation guidelines (Richards et al. 2015 PMID: 25741868, with internal and published modifications).

Labcorp Genetics (formerly Invitae), Labcorp
Classification: Uncertain significance for Nephronophthisis 15. Last evaluated: 2023-08-30. Review status: criteria provided, single submitter. Criteria: Invitae Variant Classification Sherloc (09022015). Collection method: clinical testing. Allele origin: germline.
Comment: In summary, the available evidence is currently insufficient to determine the role of this variant in disease. Therefore, it has been classified as a Variant of Uncertain Significance. Variants that disrupt the consensus splice site are a relatively common cause of aberrant splicing (PMID: 17576681, 9536098). Algorithms developed to predict the effect of sequence changes on RNA splicing suggest that this variant is not likely to affect RNA splicing. ClinVar contains an entry for this variant (Variation ID: 859037). This variant has not been reported in the literature in individuals affected with CEP164-related conditions. This variant is present in population databases (rs576293282, gnomAD 0.04%). This sequence change falls in intron 31 of the CEP164 gene. It does not directly change the encoded amino acid sequence of the CEP164 protein. It affects a nucleotide within the consensus splice site.

Literature cited by the submitters: PubMed 17576681 (cited by Labcorp Genetics (formerly Invitae), Labcorp); PubMed 9536098 (cited by Labcorp Genetics (formerly Invitae), Labcorp).